The following is an entry in ClinVar:

ClinVar aggregate classification (germline): Uncertain significance (1 of 4 stars; one submission).

Conditions:
Malignant hyperthermia, susceptibility to, 1 (MHS1). Also called: Anesthesia related hyperthermia; Malignant hyperpyrexia; Fulminating hyperpyrexia; Pharmacogenic myopathy; RYR1-Related Malignant Hyperthermia Susceptibility; Malignant hyperthermia suceptibility 1. Identifiers: Orphanet 423, MedGen C2930980, MONDO:0007783, OMIM 145600.

Submission:

All of Us Research Program, National Institutes of Health
Classification: Uncertain significance for Malignant hyperthermia, susceptibility to, 1. Last evaluated: 2023-06-26. Review status: criteria provided, single submitter. Criteria: ACMG Guidelines, 2015. Collection method: clinical testing. Allele origin: germline. Inheritance: Autosomal dominant inheritance. Observed: 1 variant allele, 1 heterozygote.
Comment: This variant causes a C to G nucleotide substitution at the -15 position of intron 41 of the RYR1 gene. To our knowledge, functional studies have not been reported for this variant. This variant has not been reported in individuals affected with RYR1-related disorders in the literature. This variant has not been identified in the general population by the Genome Aggregation Database (gnomAD). The available evidence is insufficient to determine the role of this variant in disease conclusively. Therefore, this variant is classified as a Variant of Uncertain Significance.

This study involves interpretation of variants in research participants for the purpose of population health screening. Participant phenotype was not available at the time of variant classification. Additional details can be found in publication PMID: 35346344, PMCID: PMC8962531

NM_000540.3(RYR1):c.6797-15C>G

Gene: RYR1 (ryanodine receptor 1; plus strand). Cytogenetic location: 19q13.2.
Variant type: single nucleotide variant.
Coding change: c.6797-15C>G on transcript NM_000540.3 (MANE Select); 15 bases into the intron before coding-DNA position 6797, C replaced by G.
Molecular consequence: intron variant.
Genome position (GRCh38, 1-based): chr19:38,496,845, C>G. VCF-style: chr19-38496845-C-G. GRCh37 (hg19) VCF-style: chr19-38987485-C-G.
Other names: c.6797-15C>G (NM_001042723.2).
Identifiers: ClinVar variation 3072118 (VCV003072118.1), dbSNP rs2514293734, ClinGen allele CA2825002777.
Genomic context (GRCh38, chr19:38,496,845, plus strand): 5'-GTGGTCAGGGAGGGCTTCCCAGAGGAGGCGAGACAAGCAGGAGTGAGATGTTCTCCCCAC[C>G]TCTCGCCCCTGCAGGCATGCAGGGCTCCACGCCCCTGGACGTGGCTGCTGCCTCCGTCAT-3'